The following is an entry in ClinVar:

NM_001170629.2(CHD8):c.4934dup (p.Tyr1645Ter)

Gene: CHD8 (chromodomain helicase DNA binding protein 8; minus strand). Cytogenetic location: 14q11.2.
Variant type: Duplication.
Coding change: c.4934dup on transcript NM_001170629.2 (MANE Select); coding-DNA position 4934, one base duplicated (A; older notation c.4934dupA).
Protein change: p.Tyr1645Ter; replaces tyrosine 1645 with a stop codon.
Molecular consequence: nonsense.
Genome position (GRCh38, 1-based): chr14:21,397,940, T duplicated on the plus strand (A on the coding strand, the reverse complement: CHD8 is on the minus strand). VCF-style (leftmost placement, unchanged base first): chr14-21397939-A-AT. GRCh37 (hg19) VCF-style: chr14-21866098-A-AT.
Other names: c.4097dup, p.Tyr1366Ter (NM_020920.4); c.4934dupA (NM_001170629.1); short protein forms Y1366*, Y1645*.
Identifiers: ClinVar variation 4056423 (VCV004056423.2).

ClinVar aggregate classification (germline): Pathogenic/Likely pathogenic. Review status: criteria provided, multiple submitters, no conflicts (2 of 4 stars). 2 submissions from 2 submitters: Pathogenic (1); Likely pathogenic (1). Last evaluated 2025-12-03.

Conditions:
Intellectual developmental disorder with autism and macrocephaly. Also called: Autism, susceptibility to, 18; CHD8-Related Neurodevelopmental Disorder with Overgrowth. Identifiers: Orphanet 642675, MedGen C3554373, MONDO:0014017, OMIM 615032.
Inborn genetic diseases. Identifiers: MedGen C0950123, MeSH D030342.

Submissions (2):

Ambry Genetics
Classification: Pathogenic for Inborn genetic diseases. Last evaluated: 2025-12-03. Review status: criteria provided, single submitter. Criteria: Ambry Variant Classification Scheme 2023. Collection method: clinical testing. Allele origin: germline.
Comment: The c.4934dupA (p.Y1645*) alteration, located in exon 26 (coding exon 26) of the CHD8 gene, consists of a duplication of A at position 4934. This changes the amino acid from a tyrosine (Y) to a stop codon at amino acid position 1645. This alteration is expected to result in loss of function by premature protein truncation or nonsense-mediated mRNA decay. This variant was not reported in population-based cohorts in the Genome Aggregation Database (gnomAD). Based on the available evidence, this alteration is classified as pathogenic.

Laboratoire de Génétique Moléculaire, CHU Bordeaux
Classification: Likely pathogenic for Intellectual developmental disorder with autism and macrocephaly. Last evaluated: 2023-03-03. Review status: criteria provided, single submitter. Criteria: ACMG Guidelines, 2015. Collection method: clinical testing. Allele origin: germline. Affected: yes.